The following is an entry in ClinVar:

NM_003072.5(SMARCA4):c.2524C>A (p.Arg842=)

Gene: SMARCA4 (SWI/SNF related BAF chromatin remodeling complex subunit ATPase 4; plus strand). Cytogenetic location: 19p13.2.
Variant type: single nucleotide variant.
Coding change: c.2524C>A on transcript NM_003072.5 (MANE Select); coding-DNA position 2524, C replaced by A.
Protein change: p.Arg842=; no amino-acid change (arginine 842 retained).
Molecular consequence: synonymous variant. On other transcripts: non-coding transcript variant (1).
Genome position (GRCh38, 1-based): chr19:11,019,609, C>A. VCF-style: chr19-11019609-C-A. GRCh37 (hg19) VCF-style: chr19-11130285-C-A.
Other names: c.2524C>A, p.Arg842= (NM_001128844.3, NM_001128845.2, NM_001128846.2 and 5 more transcripts); c.2524C>A (NM_001128849.1).
Identifiers: ClinVar variation 1120501 (VCV001120501.12), dbSNP rs1600257687, ClinGen allele CA505490226.

ClinVar aggregate classification (germline): Benign/Likely benign. Review status: criteria provided, multiple submitters, no conflicts (2 of 4 stars). 3 submissions from 3 submitters: Benign (1); Likely benign (2). Last evaluated 2026-07-13.

Conditions:
Hereditary cancer-predisposing syndrome. Also called: Hereditary Cancer Syndrome; Hereditary neoplastic syndrome; Neoplastic Syndromes, Hereditary; Tumor predisposition. Identifiers: Orphanet 140162, MedGen C0027672, MeSH D009386, MONDO:0015356.
Rhabdoid tumor predisposition syndrome 2 (RTPS2). Identifiers: Orphanet 231108, Orphanet 69077, MedGen C2750074, MONDO:0013224, OMIM 613325.

Allele frequency attached by ClinVar (database versions not stated): gnomAD 0.00001.
gnomAD v4.1: 1 of 1,611,554 alleles (0.000062%); highest among the groups gnomAD compares: African/African-American, 0.0013%; no homozygotes.

Submissions (3):

Myriad Genetics, Inc.
Classification: Benign for Rhabdoid tumor predisposition syndrome 2. Last evaluated: 2026-07-13. Review status: criteria provided, single submitter. Criteria: Myriad Autosomal Dominant, Autosomal Recessive and X-Linked Classification Criteria (2023). Collection method: clinical testing. Allele origin: unknown.
Comment: This variant is considered benign. This variant is a silent/synonymous amino acid change and it is not expected to impact splicing.

Labcorp Genetics (formerly Invitae), Labcorp
Classification: Likely benign for Rhabdoid tumor predisposition syndrome 2. Last evaluated: 2026-01-19. Review status: criteria provided, single submitter. Criteria: Invitae Variant Classification Sherloc (09022015). Collection method: clinical testing. Allele origin: germline.

Ambry Genetics
Classification: Likely benign for Hereditary cancer-predisposing syndrome. Last evaluated: 2025-11-24. Review status: criteria provided, single submitter. Criteria: Ambry Variant Classification Scheme 2023. Collection method: clinical testing. Allele origin: germline.